The following is an entry in ClinVar:

ClinVar aggregate classification (germline): Uncertain significance (1 of 4 stars; one submission).

gnomAD v4.1: 7 of 1,613,488 alleles (0.00043%); highest among the groups gnomAD compares: East Asian, 0.016%; no homozygotes.

Submission:

Labcorp Genetics (formerly Invitae), Labcorp
Classification: Uncertain significance. Last evaluated: 2024-10-17. Review status: criteria provided, single submitter. Criteria: Invitae Variant Classification Sherloc (09022015). Collection method: clinical testing. Allele origin: germline.
Comment: This sequence change replaces proline, which is neutral and non-polar, with serine, which is neutral and polar, at codon 948 of the LAMB1 protein (p.Pro948Ser). This variant is present in population databases (rs776385044, gnomAD 0.03%). This variant has not been reported in the literature in individuals affected with LAMB1-related conditions. An algorithm developed to predict the effect of missense changes on protein structure and function (PolyPhen-2) suggests that this variant is likely to be tolerated. In summary, the available evidence is currently insufficient to determine the role of this variant in disease. Therefore, it has been classified as a Variant of Uncertain Significance.

NM_002291.3(LAMB1):c.2842C>T (p.Pro948Ser)

Gene: LAMB1 (laminin subunit beta 1; minus strand). Cytogenetic location: 7q31.1.
Variant type: single nucleotide variant.
Coding change: c.2842C>T on transcript NM_002291.3 (MANE Select); coding-DNA position 2842, C replaced by T.
Protein change: p.Pro948Ser; replaces proline 948 with serine.
Molecular consequence: missense variant.
Genome position (GRCh38, 1-based): chr7:107,955,479, G>A on the plus strand (C>T on the coding strand, the complement: LAMB1 is on the minus strand). VCF-style: chr7-107955479-G-A. GRCh37 (hg19) VCF-style: chr7-107595924-G-A.
Other names: short protein forms P948S.
Identifiers: ClinVar variation 3615844 (VCV003615844.2).